The following is an entry in ClinVar:

NM_007194.4(CHEK2):c.1097T>A (p.Ile366Asn)

Gene: CHEK2 (checkpoint kinase 2; minus strand). Cytogenetic location: 22q12.1.
Variant type: single nucleotide variant.
Coding change: c.1097T>A on transcript NM_007194.4 (MANE Select); coding-DNA position 1097, T replaced by A.
Protein change: p.Ile366Asn; replaces isoleucine 366 with asparagine.
Molecular consequence: missense variant.
Genome position (GRCh38, 1-based): chr22:28,695,872, A>T on the plus strand (T>A on the coding strand, the complement: CHEK2 is on the minus strand). VCF-style: chr22-28695872-A-T. GRCh37 (hg19) VCF-style: chr22-29091860-A-T.
Other names: c.1226T>A, p.Ile409Asn (NM_001005735.3); c.434T>A, p.Ile145Asn (NM_001257387.3); c.896T>A, p.Ile299Asn (NM_001349956.3); c.1010T>A, p.Ile337Asn (NM_145862.3); short protein forms I366N, I409N, I145N, I299N, I337N.
Identifiers: ClinVar variation 489872 (VCV000489872.22), dbSNP rs786202147, ClinGen allele CA411097233.
Genomic context (GRCh38, chr22:28,695,872, plus strand): 5'-CCACATAAGGTTCTCATGAGAGAGGTCTCTCCCAAAATCTTGGAGTGCCCAAAATCAGTA[A>T]TCTAAAATTCAGTACAAAAGGGAATAATGTTGAACTTGCCATAAAATAAAAAGATTAACA-3'
Protein context (NP_009125.1, residues 356-376): SSQEEDCLIK[Ile366Asn]TDFGHSKILG

ClinVar aggregate classification (germline): Uncertain significance. Review status: criteria provided, multiple submitters, no conflicts (2 of 4 stars). 7 submissions from 7 submitters: Uncertain significance (7). Last evaluated 2024-06-17.

Conditions:
Familial cancer of breast. Also called: BREAST CANCER, FAMILIAL; hereditary breast carcinoma; Hereditary breast cancer. Identifiers: Orphanet 227535, MedGen C0346153, MONDO:0016419, OMIM 114480. Disease mechanism: loss of function.
Hereditary cancer-predisposing syndrome. Also called: Neoplastic Syndromes, Hereditary; Tumor predisposition; Hereditary Cancer Syndrome; Hereditary neoplastic syndrome. Identifiers: Orphanet 140162, MedGen C0027672, MeSH D009386, MONDO:0015356.
CHEK2-related cancer predisposition (TPDS4). Also called: CHEK2-related cancer susceptibility; TUMOR PREDISPOSITION SYNDROME 4; CANCER PREDISPOSITION SYNDROME, CHEK2-RELATED. Identifiers: Orphanet 524, MedGen C5882668, MONDO:0700271, OMIM 609265.
Bone osteosarcoma. Also called: Osteosarcoma, somatic. Identifiers: Orphanet 668, MedGen C0585442, MONDO:0002629, OMIM 259500.
Familial prostate cancer. Also called: Hereditary Prostate Cancer. Identifiers: MedGen C2931456, MONDO:0700275, OMIM 176807.

Submissions (7):

Fulgent Genetics
Classification: Uncertain significance for Familial prostate cancer; Bone osteosarcoma; CHEK2-related cancer predisposition. Last evaluated: 2024-06-17. Review status: criteria provided, single submitter. Criteria: ACMG Guidelines, 2015. Collection method: clinical testing. Allele origin: germline.

Labcorp Genetics (formerly Invitae), Labcorp
Classification: Uncertain significance for Familial cancer of breast. Last evaluated: 2024-05-13. Review status: criteria provided, single submitter. Criteria: Invitae Variant Classification Sherloc (09022015). Collection method: clinical testing. Allele origin: germline.
Comment: This sequence change replaces isoleucine, which is neutral and non-polar, with asparagine, which is neutral and polar, at codon 366 of the CHEK2 protein (p.Ile366Asn). This variant is not present in population databases (gnomAD no frequency). This variant has not been reported in the literature in individuals affected with CHEK2-related conditions. ClinVar contains an entry for this variant (Variation ID: 489872). An algorithm developed to predict the effect of missense changes on protein structure and function (PolyPhen-2) suggests that this variant is likely to be disruptive. In summary, the available evidence is currently insufficient to determine the role of this variant in disease. Therefore, it has been classified as a Variant of Uncertain Significance.

KCCC/NGS Laboratory, Kuwait Cancer Control Center
Classification: Uncertain significance for Familial cancer of breast. Last evaluated: 2023-07-07. Review status: criteria provided, single submitter. Criteria: ACMG Guidelines, 2015. Collection method: clinical testing. Allele origin: unknown. Affected: yes.
Comment: The p.I366N variant (also known as c.1097T>A), located in coding exon 10 of the CHEK2 gene, results from a T to A substitution at nucleotide position 1097. The isoleucine at codon 366 is replaced by asparagine, an amino acid with dissimilar properties. This amino acid position is well conserved in available vertebrate species. This variant was not found in gnomAD genomes. There is a ClinVar entry for this variant with submissions list it as variant of uncertain significance. In addition, the insilico prediction for this alteration showed 12 pathogenic predictions from BayesDel_addAF, DANN, EIGEN, FATHMM-MKL, LIST-S2, M-CAP, MVP, MutationAssessor, MutationTaster, PrimateAI, REVEL and SIFT; and two benign from DEOGEN2 and FATHMM. Since supporting evidence is limited at this time, the clinical significance of this alteration remains unclear.

GeneDx
Classification: Uncertain significance. Last evaluated: 2023-03-22. Review status: criteria provided, single submitter. Criteria: GeneDx Variant Classification Process June 2021. Collection method: clinical testing. Allele origin: germline. Affected: yes.
Comment: Not observed at significant frequency in large population cohorts (gnomAD); In silico analysis supports that this missense variant has a deleterious effect on protein structure/function; Has not been previously published as pathogenic or benign to our knowledge; This variant is associated with the following publications: (PMID: 22419737, 19782031, 31925297)

Ambry Genetics
Classification: Uncertain significance for Hereditary cancer-predisposing syndrome. Last evaluated: 2020-10-11. Review status: criteria provided, single submitter. Criteria: Ambry Variant Classification Scheme 2023. Collection method: clinical testing. Allele origin: germline.
Comment: The p.I366N variant (also known as c.1097T>A), located in coding exon 10 of the CHEK2 gene, results from a T to A substitution at nucleotide position 1097. The isoleucine at codon 366 is replaced by asparagine, an amino acid with dissimilar properties. This amino acid position is well conserved in available vertebrate species. In addition, the in silico prediction for this alteration is inconclusive. Since supporting evidence is limited at this time, the clinical significance of this alteration remains unclear.

Department of Pathology and Laboratory Medicine, Sinai Health System
Classification: Uncertain significance for CHEK2-related cancer predisposition. Last evaluated: 2020-08-18. Review status: criteria provided, single submitter. Criteria: ACMG Guidelines, 2015. Collection method: clinical testing. Allele origin: germline. Affected: yes.

Color Diagnostics, LLC DBA Color Health
Classification: Uncertain significance for Hereditary cancer-predisposing syndrome. Last evaluated: 2019-03-05. Review status: criteria provided, single submitter. Criteria: ACMG Guidelines, 2015. Collection method: clinical testing. Allele origin: germline.